The following is an entry in ClinVar:

NM_000441.2(SLC26A4):c.1038C>G (p.Phe346Leu)

Gene: SLC26A4 (solute carrier family 26 member 4; plus strand). Cytogenetic location: 7q22.3.
Variant type: single nucleotide variant.
Coding change: c.1038C>G on transcript NM_000441.2 (MANE Select); coding-DNA position 1038, C replaced by G.
Protein change: p.Phe346Leu; replaces phenylalanine 346 with leucine.
Molecular consequence: missense variant.
Genome position (GRCh38, 1-based): chr7:107,689,089, C>G. VCF-style: chr7-107689089-C-G. GRCh37 (hg19) VCF-style: chr7-107329534-C-G.
Other names: short protein forms F346L.
Identifiers: ClinVar variation 1998024 (VCV001998024.1), dbSNP rs2535317695, ClinGen allele CA368838489.

ClinVar aggregate classification (germline): Uncertain significance (1 of 4 stars; one submission).

Submission:

Labcorp Genetics (formerly Invitae), Labcorp
Classification: Uncertain significance. Last evaluated: 2022-05-22. Review status: criteria provided, single submitter. Criteria: Invitae Variant Classification Sherloc (09022015). Collection method: clinical testing. Allele origin: germline.
Comment: This sequence change replaces phenylalanine, which is neutral and non-polar, with leucine, which is neutral and non-polar, at codon 346 of the SLC26A4 protein (p.Phe346Leu). This variant is not present in population databases (gnomAD no frequency). This variant has not been reported in the literature in individuals affected with SLC26A4-related conditions. Advanced modeling of protein sequence and biophysical properties (such as structural, functional, and spatial information, amino acid conservation, physicochemical variation, residue mobility, and thermodynamic stability) performed at Invitae indicates that this missense variant is not expected to disrupt SLC26A4 protein function. In summary, the available evidence is currently insufficient to determine the role of this variant in disease. Therefore, it has been classified as a Variant of Uncertain Significance.